The following is an entry in ClinVar:

ClinVar aggregate classification (germline): Uncertain significance (1 of 4 stars; one submission).

Submission:

Labcorp Genetics (formerly Invitae), Labcorp
Classification: Uncertain significance. Last evaluated: 2024-03-09. Review status: criteria provided, single submitter. Criteria: Invitae Variant Classification Sherloc (09022015). Collection method: clinical testing. Allele origin: germline.
Comment: This variant, c.319_339dup, results in the insertion of 7 amino acid(s) of the COMP protein (p.Ser107_Pro113dup), but otherwise preserves the integrity of the reading frame. This variant is not present in population databases (gnomAD no frequency). This variant has not been reported in the literature in individuals affected with COMP-related conditions. In summary, the available evidence is currently insufficient to determine the role of this variant in disease. Therefore, it has been classified as a Variant of Uncertain Significance.

NM_000095.3(COMP):c.319_339dup (p.Pro113_Cys114insSerGlyAlaArgCysGlyPro)

Gene: COMP (cartilage oligomeric matrix protein; minus strand). Cytogenetic location: 19p13.11.
Variant type: Duplication.
Coding change: c.319_339dup on transcript NM_000095.3 (MANE Select); coding-DNA positions 319 to 339, 21 bases duplicated (AGCGGCGCGCGCTGCGGCCCC).
Protein change: p.Pro113_Cys114insSerGlyAlaArgCysGlyPro.
Genome position (GRCh38, 1-based): chr19:18,789,993-18,790,013, GGGGCCGCAGCGCGCGCCGCT duplicated on the plus strand (AGCGGCGCGCGCTGCGGCCCC on the coding strand, the reverse complement: COMP is on the minus strand). VCF-style (leftmost placement, unchanged base first): chr19-18789992-A-AGGGGCCGCAGCGCGCGCCGCT. GRCh37 (hg19) VCF-style: chr19-18900801-A-AGGGGCCGCAGCGCGCGCCGCT.
Identifiers: ClinVar variation 3683927 (VCV003683927.2).
Genomic context (GRCh38, chr19:18,789,992, plus strand): 5'-GCTAGCGCACCTCGTTGACGTCGGTGCAGTGCGAGCCGTTGCCCGTGAAGCCCGCGGGGC[A>AGGGGCCGCAGCGCGCGCCGCT]GGGGCCGCAGCGCGCGCCGCTCTCCGTCTGGATGCAGGCCACGCCGGGGAAGCAGAAGCC-3'